The following is an entry in ClinVar:

NM_000059.4(BRCA2):c.1909+332A>G

Gene: BRCA2 (BRCA2 DNA repair associated; plus strand). Cytogenetic location: 13q13.1.
Variant type: single nucleotide variant.
Coding change: c.1909+332A>G on transcript NM_000059.4 (MANE Select); 332 bases into the intron after coding-DNA position 1909, A replaced by G.
Molecular consequence: intron variant.
Genome position (GRCh38, 1-based): chr13:32,333,719, A>G. VCF-style: chr13-32333719-A-G. GRCh37 (hg19) VCF-style: chr13-32907856-A-G.
Other names: IVS 10+332A>G.
Identifiers: ClinVar variation 209676 (VCV000209676.1), dbSNP rs11571644, ClinGen allele CA276645.

ClinVar aggregate classification (germline): Benign (3 of 4 stars; one submission).

Conditions:
Breast-ovarian cancer, familial, susceptibility to, 2 (BROVCA2). Also called: BRCA2 Hereditary Breast and Ovarian Cancer. Identifiers: Orphanet 145, MedGen C2675520, MONDO:0012933, OMIM 612555. Disease mechanism: loss of function.

Allele frequency attached by ClinVar (database versions not stated): gnomAD 0.03051 and 0.03269; 1000 Genomes Project 0.03235; 1000 Genomes Project 30x 0.03295; TOPMed 0.03481.
gnomAD v4.1: 4,596 of 152,194 alleles (3%); highest among the groups gnomAD compares: African/African-American, 10%; 229 homozygotes.

Submission:

Evidence-based Network for the Interpretation of Germline Mutant Alleles (ENIGMA)
Classification: Benign for Breast-ovarian cancer, familial 2. Last evaluated: 2015-01-12. Review status: reviewed by expert panel. Criteria: ENIGMA BRCA1/2 Classification Criteria (2015). Collection method: curation. Allele origin: germline.
Comment: Class 1 not pathogenic based on frequency >1% in an outbred sampleset. Frequency 0.1829 (African), derived from 1000 genomes (2012-04-30).